The following is an entry in ClinVar:

NM_025179.4(PLXNA2):c.2297C>T (p.Ser766Leu)

Gene: PLXNA2 (plexin A2; minus strand). Cytogenetic location: 1q32.2.
Variant type: single nucleotide variant.
Coding change: c.2297C>T on transcript NM_025179.4 (MANE Select); coding-DNA position 2297, C replaced by T.
Protein change: p.Ser766Leu; replaces serine 766 with leucine.
Molecular consequence: missense variant.
Genome position (GRCh38, 1-based): chr1:208,084,381, G>A on the plus strand (C>T on the coding strand, the complement: PLXNA2 is on the minus strand). VCF-style: chr1-208084381-G-A. GRCh37 (hg19) VCF-style: chr1-208257726-G-A.
Other names: c.2297C>T (NM_025179.3); short protein forms S766L.
Identifiers: ClinVar variation 1903548 (VCV001903548.9), dbSNP rs780579422, ClinGen allele CA1373587.

ClinVar aggregate classification (germline): Uncertain significance. Review status: criteria provided, multiple submitters, no conflicts (2 of 4 stars). 3 submissions from 3 submitters: Uncertain significance (3). Last evaluated 2026-06-24.

Conditions:
PLXNA2-related disorder. Also called: PLXNA2-related condition.

Allele frequency attached by ClinVar (database versions not stated): ExAC 0.00001.
gnomAD v4.1: 27 of 1,614,012 alleles (0.0017%); highest among the groups gnomAD compares: Admixed American, 0.0033%; no homozygotes.

Submissions (3):

PreventionGenetics, part of Exact Sciences
Classification: Uncertain significance for PLXNA2-related condition. Last evaluated: 2026-06-24. Review status: criteria provided, single submitter. Criteria: ACMG Guidelines, 2015. Collection method: clinical testing. Allele origin: germline.
Comment: The PLXNA2 c.2297C>T variant is predicted to result in the amino acid substitution p.Ser766Leu. To our knowledge, this variant has not been reported in the literature. This variant is reported in 0.0033% of alleles in individuals of South Asian descent in gnomAD. At this time, the clinical significance of this variant is uncertain due to the absence of conclusive functional and genetic evidence.

Ambry Genetics
Classification: Uncertain significance. Last evaluated: 2025-08-09. Review status: criteria provided, single submitter. Criteria: Ambry Variant Classification Scheme 2023. Collection method: clinical testing. Allele origin: germline.

Labcorp Genetics (formerly Invitae), Labcorp
Classification: Uncertain significance. Last evaluated: 2024-06-10. Review status: criteria provided, single submitter. Criteria: Invitae Variant Classification Sherloc (09022015). Collection method: clinical testing. Allele origin: germline.
Comment: This sequence change replaces serine, which is neutral and polar, with leucine, which is neutral and non-polar, at codon 766 of the PLXNA2 protein (p.Ser766Leu). This variant is present in population databases (rs780579422, gnomAD 0.003%). This variant has not been reported in the literature in individuals affected with PLXNA2-related conditions. ClinVar contains an entry for this variant (Variation ID: 1903548). An algorithm developed to predict the effect of missense changes on protein structure and function (PolyPhen-2) suggests that this variant is likely to be tolerated. In summary, the available evidence is currently insufficient to determine the role of this variant in disease. Therefore, it has been classified as a Variant of Uncertain Significance.